The following is an entry in ClinVar:

ClinVar aggregate classification (germline): Uncertain significance (1 of 4 stars; one submission).

Conditions:
Dyskeratosis congenita, autosomal recessive 5 (DKCB5). Identifiers: MedGen C3554656, MONDO:0014076, OMIM 615190.
Pulmonary fibrosis and/or bone marrow failure, Telomere-related, 3. Also called: PULMONARY FIBROSIS AND/OR BONE MARROW FAILURE SYNDROME, TELOMERE-RELATED, 3. Identifiers: Orphanet 2032, MedGen C4225346, MONDO:0014613, OMIM 616373.

Submission:

Labcorp Genetics (formerly Invitae), Labcorp
Classification: Uncertain significance for Dyskeratosis congenita, autosomal recessive 5; Pulmonary fibrosis and/or bone marrow failure, Telomere-related, 3. Last evaluated: 2025-08-12. Review status: criteria provided, single submitter. Criteria: Invitae Variant Classification Sherloc (09022015). Collection method: clinical testing. Allele origin: germline.
Comment: This sequence change replaces valine, which is neutral and non-polar, with leucine, which is neutral and non-polar, at codon 734 of the RTEL1 protein (p.Val734Leu). This variant is not present in population databases (gnomAD no frequency). This variant has not been reported in the literature in individuals affected with RTEL1-related conditions. An algorithm developed to predict the effect of missense changes on protein structure and function (PolyPhen-2) suggests that this variant is likely to be tolerated. In summary, the available evidence is currently insufficient to determine the role of this variant in disease. Therefore, it has been classified as a Variant of Uncertain Significance.

NM_001283009.2(RTEL1):c.2200G>C (p.Val734Leu)

Genes: RTEL1 (regulator of telomere elongation helicase 1; plus strand), RTEL1-TNFRSF6B (RTEL1-TNFRSF6B readthrough (NMD candidate); plus strand). Cytogenetic location: 20q13.33.
Variant type: single nucleotide variant.
Coding change: c.2200G>C on transcript NM_001283009.2 (MANE Select); coding-DNA position 2200, G replaced by C.
Protein change: p.Val734Leu; replaces valine 734 with leucine.
Molecular consequence: missense variant. On other transcripts: non-coding transcript variant (1).
Genome position (GRCh38, 1-based): chr20:63,690,145, G>C. VCF-style: chr20-63690145-G-C. GRCh37 (hg19) VCF-style: chr20-62321498-G-C.
Other names: c.1531G>C, p.Val511Leu (NM_001283010.1); c.2200G>C, p.Val734Leu (NM_016434.4); c.2272G>C, p.Val758Leu (NM_032957.5); short protein forms V511L, V734L, V758L.
Identifiers: ClinVar variation 4785855 (VCV004785855.1).
Genomic context (GRCh38, chr20:63,690,145, plus strand): 5'-AGGTTCGCCTTTGCCGACGCAAGAGCCCAACTGCCCTCCTGGGTGCGTCCCCACGTCAGG[G>C]TGTATGACAACTTTGGCCATGTCATCCGAGACGTGGCCCAGTTCTTCCGTGTTGCCGAGC-3'
Protein context (NP_001269938.1, residues 724-744): LPSWVRPHVR[Val734Leu]YDNFGHVIRD